The following is an entry in ClinVar:

ClinVar aggregate classification (germline): Likely benign. Review status: criteria provided, multiple submitters, no conflicts (2 of 4 stars). 2 submissions from 2 submitters: Likely benign (2). Last evaluated 2023-07-10.

Conditions:
Multiple endocrine neoplasia, type 2 (MEN2). Identifiers: Orphanet 653, MedGen C4048306, MONDO:0019003. Disease mechanism: gain of function.

Allele frequency attached by ClinVar (database versions not stated): gnomAD exomes below 0.00001.
gnomAD v4.1: 1 of 1,602,058 alleles (0.000062%); highest among the groups gnomAD compares: Non-Finnish European, 0.000086%; no homozygotes.

Submissions (2):

All of Us Research Program, National Institutes of Health
Classification: Likely benign for Multiple endocrine neoplasia, type 2. Last evaluated: 2023-07-10. Review status: criteria provided, single submitter. Criteria: ACMG Guidelines, 2015. Collection method: clinical testing. Allele origin: germline. Inheritance: Autosomal dominant inheritance. Observed: 1 variant allele, 1 heterozygote.
Comment: This study involves interpretation of variants in research participants for the purpose of population health screening. Participant phenotype was not available at the time of variant classification. Additional details can be found in publication PMID: 35346344, PMCID: PMC8962531

Labcorp Genetics (formerly Invitae), Labcorp
Classification: Likely benign for Multiple endocrine neoplasia, type 2. Last evaluated: 2022-08-18. Review status: criteria provided, single submitter. Criteria: Invitae Variant Classification Sherloc (09022015). Collection method: clinical testing. Allele origin: germline.

NM_020975.6(RET):c.2731-15C>G

Gene: RET (ret proto-oncogene; plus strand). Cytogenetic location: 10q11.21.
Variant type: single nucleotide variant.
Coding change: c.2731-15C>G on transcript NM_020975.6 (MANE Select); 15 bases into the intron before coding-DNA position 2731, C replaced by G.
Molecular consequence: intron variant.
Genome position (GRCh38, 1-based): chr10:43,121,931, C>G. VCF-style: chr10-43121931-C-G. GRCh37 (hg19) VCF-style: chr10-43617379-C-G.
Other names: c.2731-15C>G (NM_020630.7, NM_001406743.1, NM_001406744.1 and 2 more transcripts); c.2596-15C>G (NM_001406765.1, NM_001406763.1); c.2335-15C>G (NM_001406772.1, NM_001406769.1); c.2293-15C>G (NM_001406773.1, NM_001406771.1); c.1834-15C>G (NM_001406782.1, NM_001406780.1, NM_001406779.1 and 1 more transcripts); c.1699-15C>G (NM_001406787.1); c.1714-15C>G (NM_001406785.1); c.2602-15C>G (NM_001406764.1, NM_001406762.1, NM_001406761.1); and 10 more.
Identifiers: ClinVar variation 2024576 (VCV002024576.5), dbSNP rs2538595642, ClinGen allele CA2580081523.